The following is an entry in ClinVar:

NM_015047.3(EMC1):c.2101C>A (p.Pro701Thr)

Genes: EMC1 (ER membrane protein complex subunit 1; minus strand), EMC1-AS1 (EMC1 antisense RNA 1; plus strand). Cytogenetic location: 1p36.13.
Variant type: single nucleotide variant.
Coding change: c.2101C>A on transcript NM_015047.3 (MANE Select); coding-DNA position 2101, C replaced by A.
Protein change: p.Pro701Thr; replaces proline 701 with threonine.
Molecular consequence: missense variant.
Genome position (GRCh38, 1-based): chr1:19,227,414, G>T on the plus strand (C>A on the coding strand, the complement: EMC1 is on the minus strand). VCF-style: chr1-19227414-G-T. GRCh37 (hg19) VCF-style: chr1-19553908-G-T.
Other names: c.2098C>A, p.Pro700Thr (NM_001271427.2, NM_001271428.2); c.2035C>A, p.Pro679Thr (NM_001271429.2); c.2110C>A, p.Pro704Thr (NM_001375820.1); c.2107C>A, p.Pro703Thr (NM_001375821.1); short protein forms P679T, P701T, P700T, P703T, P704T.
Identifiers: ClinVar variation 3636321 (VCV003636321.2).

ClinVar aggregate classification (germline): Uncertain significance (1 of 4 stars; one submission).

Submission:

Labcorp Genetics (formerly Invitae), Labcorp
Classification: Uncertain significance. Last evaluated: 2025-01-30. Review status: criteria provided, single submitter. Criteria: Invitae Variant Classification Sherloc (09022015). Collection method: clinical testing. Allele origin: germline.
Comment: This sequence change replaces proline, which is neutral and non-polar, with threonine, which is neutral and polar, at codon 701 of the EMC1 protein (p.Pro701Thr). This variant is not present in population databases (gnomAD no frequency). This variant has not been reported in the literature in individuals affected with EMC1-related conditions. Invitae Evidence Modeling of protein sequence and biophysical properties (such as structural, functional, and spatial information, amino acid conservation, physicochemical variation, residue mobility, and thermodynamic stability) indicates that this missense variant is not expected to disrupt EMC1 protein function with a negative predictive value of 80%. In summary, the available evidence is currently insufficient to determine the role of this variant in disease. Therefore, it has been classified as a Variant of Uncertain Significance.